The following is an entry in ClinVar:

NM_006267.5(RANBP2):c.128A>T (p.Asp43Val)

Gene: RANBP2 (RAN binding protein 2; plus strand). Cytogenetic location: 2q13.
Variant type: single nucleotide variant.
Coding change: c.128A>T on transcript NM_006267.5 (MANE Select); coding-DNA position 128, A replaced by T.
Protein change: p.Asp43Val; replaces aspartic acid 43 with valine.
Molecular consequence: missense variant.
Genome position (GRCh38, 1-based): chr2:108,729,187, A>T. VCF-style: chr2-108729187-A-T. GRCh37 (hg19) VCF-style: chr2-109345643-A-T.
Other names: short protein forms D43V.
Identifiers: ClinVar variation 1051691 (VCV001051691.5), dbSNP rs751086162, ClinGen allele CA53427504.

ClinVar aggregate classification (germline): Uncertain significance (1 of 4 stars; one submission).

Conditions:
Familial acute necrotizing encephalopathy (IIAE3). Also called: ENCEPHALOPATHY, ACUTE, INFECTION-INDUCED, SUSCEPTIBILITY TO, 3; Susceptibility to Acute Necrotizing Encephalopathy 1. Identifiers: Orphanet 88619, MedGen C2675556, MONDO:0011953, OMIM 608033.

Allele frequency attached by ClinVar (database versions not stated): gnomAD exomes below 0.00001.
gnomAD v4.1: 2 of 1,569,702 alleles (0.00013%); highest among the groups gnomAD compares: Middle Eastern, 0.023%; no homozygotes.

Submission:

Labcorp Genetics (formerly Invitae), Labcorp
Classification: Uncertain significance for Familial acute necrotizing encephalopathy. Last evaluated: 2020-07-30. Review status: criteria provided, single submitter. Criteria: Invitae Variant Classification Sherloc (09022015). Collection method: clinical testing. Allele origin: germline.
Comment: This variant has not been reported in the literature in individuals with RANBP2-related conditions. This variant is not present in population databases (ExAC no frequency). This sequence change replaces aspartic acid with valine at codon 43 of the RANBP2 protein (p.Asp43Val). The aspartic acid residue is highly conserved and there is a large physicochemical difference between aspartic acid and valine. Algorithms developed to predict the effect of missense changes on protein structure and function are either unavailable or do not agree on the potential impact of this missense change (SIFT: "Deleterious"; PolyPhen-2: "Benign"; Align-GVGD: "Class C65"). In summary, the available evidence is currently insufficient to determine the role of this variant in disease. Therefore, it has been classified as a Variant of Uncertain Significance.